The following is an entry in ClinVar:

NM_021831.6(AGBL5):c.1561A>G (p.Thr521Ala)

Gene: AGBL5 (AGBL carboxypeptidase 5; plus strand). Cytogenetic location: 2p23.3.
Variant type: single nucleotide variant.
Coding change: c.1561A>G on transcript NM_021831.6 (MANE Select); coding-DNA position 1561, A replaced by G.
Protein change: p.Thr521Ala; replaces threonine 521 with alanine.
Molecular consequence: missense variant. On other transcripts: non-coding transcript variant (2).
Genome position (GRCh38, 1-based): chr2:27,057,328, A>G. VCF-style: chr2-27057328-A-G. GRCh37 (hg19) VCF-style: chr2-27280196-A-G.
Other names: c.1561A>G, p.Thr521Ala (NM_001035506.1, NM_001035507.3); short protein forms T521A.
Identifiers: ClinVar variation 2053417 (VCV002053417.4), dbSNP rs1668487191, ClinGen allele CA346183591.
Genomic context (GRCh38, chr2:27,057,328, plus strand): 5'-CAGGCGGGACACTGATAAAGGTCTTTATGTCTTAGCTACACACTTGAATGCAACTACAAC[A>G]CTGGACGCTCAGTAAACAGCATCCCTGCTGCCTGCCATGACAATGGGCGTGCCAGCCCCC-3'
Protein context (NP_068603.4, residues 511-531): HSYTLECNYN[Thr521Ala]GRSVNSIPAA

ClinVar aggregate classification (germline): Uncertain significance (1 of 4 stars; one submission).

Allele frequency attached by ClinVar (database versions not stated): gnomAD exomes below 0.00001; TOPMed below 0.00001.
gnomAD v4.1: 4 of 1,613,900 alleles (0.00025%); highest among the groups gnomAD compares: Non-Finnish European, 0.00034%; no homozygotes.

Submission:

Labcorp Genetics (formerly Invitae), Labcorp
Classification: Uncertain significance. Last evaluated: 2021-12-22. Review status: criteria provided, single submitter. Criteria: Invitae Variant Classification Sherloc (09022015). Collection method: clinical testing. Allele origin: germline.
Comment: This sequence change replaces threonine, which is neutral and polar, with alanine, which is neutral and non-polar, at codon 521 of the AGBL5 protein (p.Thr521Ala). This variant is not present in population databases (gnomAD no frequency). This variant has not been reported in the literature in individuals affected with AGBL5-related conditions. Algorithms developed to predict the effect of missense changes on protein structure and function are either unavailable or do not agree on the potential impact of this missense change (SIFT: "Deleterious"; PolyPhen-2: "Probably Damaging"; Align-GVGD: "Class C0"). In summary, the available evidence is currently insufficient to determine the role of this variant in disease. Therefore, it has been classified as a Variant of Uncertain Significance.